The following is an entry in ClinVar:

ClinVar aggregate classification (germline): Uncertain significance. Review status: criteria provided, multiple submitters, no conflicts (2 of 4 stars). 2 submissions from 2 submitters: Uncertain significance (2). Last evaluated 2021-09-15.

Conditions:
Multiple congenital anomalies-hypotonia-seizures syndrome 1 (MCAHS1). Also called: PIGN-CDG; Congenital disorder of glycosylation due to PIGN deficiency; GLYCOSYLPHOSPHATIDYLINOSITOL BIOSYNTHESIS DEFECT 3. Identifiers: Orphanet 280633, MedGen C3279775, MONDO:0013563, OMIM 614080.
Inborn genetic diseases. Identifiers: MedGen C0950123, MeSH D030342.

Allele frequency attached by ClinVar (database versions not stated): gnomAD exomes 0.00001.
gnomAD v4.1: 9 of 1,530,856 alleles (0.00059%); highest among the groups gnomAD compares: Non-Finnish European, 0.00079%; no homozygotes.

Submissions (2):

Labcorp Genetics (formerly Invitae), Labcorp
Classification: Uncertain significance for Multiple congenital anomalies-hypotonia-seizures syndrome 1. Last evaluated: 2021-09-15. Review status: criteria provided, single submitter. Criteria: Invitae Variant Classification Sherloc (09022015). Collection method: clinical testing. Allele origin: germline.
Comment: This sequence change replaces phenylalanine with serine at codon 196 of the PIGN protein (p.Phe196Ser). The phenylalanine residue is moderately conserved and there is a large physicochemical difference between phenylalanine and serine. This variant is not present in population databases (ExAC no frequency). This variant has not been reported in the literature in individuals affected with PIGN-related conditions. Algorithms developed to predict the effect of missense changes on protein structure and function (SIFT, PolyPhen-2, Align-GVGD) all suggest that this variant is likely to be tolerated. In summary, the available evidence is currently insufficient to determine the role of this variant in disease. Therefore, it has been classified as a Variant of Uncertain Significance.

Ambry Genetics
Classification: Uncertain significance for Inborn genetic diseases. Last evaluated: 2017-06-30. Review status: criteria provided, single submitter. Criteria: Ambry Variant Classification Scheme 2023. Collection method: clinical testing. Allele origin: germline.
Comment: The p.F196S variant (also known as c.587T>C), located in coding exon 5 of the PIGN gene, results from a T to C substitution at nucleotide position 587. The phenylalanine at codon 196 is replaced by serine, an amino acid with highly dissimilar properties. This amino acid position is well conserved in available vertebrate species. In addition, this alteration is predicted to be tolerated by in silico analysis. Since supporting evidence is limited at this time, the clinical significance of this alteration remains unclear.

NM_176787.5(PIGN):c.587T>C (p.Phe196Ser)

Gene: PIGN (phosphatidylinositol glycan anchor biosynthesis class N; minus strand). Cytogenetic location: 18q21.33.
Variant type: single nucleotide variant.
Coding change: c.587T>C on transcript NM_176787.5 (MANE Select); coding-DNA position 587, T replaced by C.
Protein change: p.Phe196Ser; replaces phenylalanine 196 with serine.
Molecular consequence: missense variant.
Genome position (GRCh38, 1-based): chr18:62,148,301, A>G on the plus strand (T>C on the coding strand, the complement: PIGN is on the minus strand). VCF-style: chr18-62148301-A-G. GRCh37 (hg19) VCF-style: chr18-59815534-A-G.
Other names: c.587T>C, p.Phe196Ser (NM_012327.6); short protein forms F196S.
Identifiers: ClinVar variation 1523245 (VCV001523245.5), dbSNP rs950233837, ClinGen allele CA301686095.